The following is an entry in ClinVar:

NM_152305.3(POGLUT1):c.1012A>G (p.Ile338Val)

Gene: POGLUT1 (protein O-glucosyltransferase 1; plus strand). Cytogenetic location: 3q13.33.
Variant type: single nucleotide variant.
Coding change: c.1012A>G on transcript NM_152305.3 (MANE Select); coding-DNA position 1012, A replaced by G.
Protein change: p.Ile338Val; replaces isoleucine 338 with valine.
Molecular consequence: missense variant. On other transcripts: non-coding transcript variant (1).
Genome position (GRCh38, 1-based): chr3:119,491,564, A>G. VCF-style: chr3-119491564-A-G. GRCh37 (hg19) VCF-style: chr3-119210411-A-G.
Other names: c.1012A>G, p.Ile338Val (NM_020231.3); short protein forms I338V.
Identifiers: ClinVar variation 2435123 (VCV002435123.4), dbSNP rs777882653, ClinGen allele CA2555031.

ClinVar aggregate classification (germline): Uncertain significance. Review status: criteria provided, multiple submitters, no conflicts (2 of 4 stars). 2 submissions from 2 submitters: Uncertain significance (2). Last evaluated 2025-09-23.

Allele frequency attached by ClinVar (database versions not stated): gnomAD exomes 0.00001; TOPMed 0.00001; gnomAD 0.00002; ExAC 0.00003.
gnomAD v4.1: 16 of 1,555,070 alleles (0.001%); highest among the groups gnomAD compares: East Asian, 0.035%; no homozygotes.

Submissions (2):

Labcorp Genetics (formerly Invitae), Labcorp
Classification: Uncertain significance. Last evaluated: 2025-09-23. Review status: criteria provided, single submitter. Criteria: Invitae Variant Classification Sherloc (09022015). Collection method: clinical testing. Allele origin: germline.
Comment: This sequence change replaces isoleucine, which is neutral and non-polar, with valine, which is neutral and non-polar, at codon 338 of the POGLUT1 protein (p.Ile338Val). This variant is present in population databases (rs777882653, gnomAD 0.09%). This variant has not been reported in the literature in individuals affected with POGLUT1-related conditions. ClinVar contains an entry for this variant (Variation ID: 2435123). Invitae Evidence Modeling of protein sequence and biophysical properties (such as structural, functional, and spatial information, amino acid conservation, physicochemical variation, residue mobility, and thermodynamic stability) indicates that this missense variant is not expected to disrupt POGLUT1 protein function with a negative predictive value of 80%. In summary, the available evidence is currently insufficient to determine the role of this variant in disease. Therefore, it has been classified as a Variant of Uncertain Significance.

Revvity Omics, Revvity
Classification: Uncertain significance. Last evaluated: 2019-08-05. Review status: criteria provided, single submitter. Criteria: ACMG Guidelines, 2015. Collection method: clinical testing. Allele origin: germline.